The following is an entry in ClinVar:

NM_153490.3(KRT13):c.204C>A (p.Gly68=)

Gene: KRT13 (keratin 13; minus strand). Cytogenetic location: 17q21.2.
Variant type: single nucleotide variant.
Coding change: c.204C>A on transcript NM_153490.3 (MANE Select); coding-DNA position 204, C replaced by A.
Protein change: p.Gly68=; no amino-acid change (glycine 68 retained).
Molecular consequence: synonymous variant.
Genome position (GRCh38, 1-based): chr17:41,505,347, G>T on the plus strand (C>A on the coding strand, the complement: KRT13 is on the minus strand). VCF-style: chr17-41505347-G-T. GRCh37 (hg19) VCF-style: chr17-39661599-G-T.
Other names: c.204C>A, p.Gly68= (NM_002274.4).
Identifiers: ClinVar variation 323106 (VCV000323106.12), dbSNP rs113547405, ClinGen allele CA8560838.

ClinVar aggregate classification (germline): Benign. Review status: criteria provided, multiple submitters, no conflicts (2 of 4 stars). 4 submissions from 4 submitters: Benign (4). Last evaluated 2021-05-05.

Conditions:
White sponge nevus 2 (WSN2). Identifiers: MedGen C4014321, MONDO:0014346, OMIM 615785.

Allele frequency attached by ClinVar (database versions not stated): gnomAD exomes 0.00535 and 0.00199; gnomAD 0.01946 and 0.02087; 1000 Genomes Project 30x 0.02186; ESP Exome Variant Server 0.02337; 1000 Genomes Project 0.01917; ExAC 0.00641; TOPMed 0.02251.

Submissions (4):

GeneDx
Classification: Benign. Last evaluated: 2021-05-05. Review status: criteria provided, single submitter. Criteria: GeneDx Variant Classification Process June 2021. Collection method: clinical testing. Allele origin: germline. Affected: yes.

Labcorp Genetics (formerly Invitae), Labcorp
Classification: Benign. Last evaluated: 2019-12-31. Review status: criteria provided, single submitter. Criteria: Invitae Variant Classification Sherloc (09022015). Collection method: clinical testing. Allele origin: germline.

Illumina Laboratory Services, Illumina
Classification: Benign for White sponge nevus 2. Last evaluated: 2018-01-12. Review status: criteria provided, single submitter. Criteria: ICSL Variant Classification Criteria 13 December 2019. Collection method: clinical testing. Allele origin: germline.
Comment: This variant was observed in the ICSL laboratory as part of a predisposition screen in an ostensibly healthy population. It had not been previously curated by ICSL or reported in the Human Gene Mutation Database (HGMD: prior to June 1st, 2018), and was therefore a candidate for classification through an automated scoring system. Utilizing variant allele frequency, disease prevalence and penetrance estimates, and inheritance mode, an automated score was calculated to assess if this variant is too frequent to cause the disease. Based on the score and internal cut-off values, a variant classified as benign is not then subjected to further curation. The score for this variant resulted in a classification of benign for this disease.

Breakthrough Genomics
Classification: Benign. Review status: criteria provided, single submitter. Criteria: ACMG Guidelines, 2015. Collection method: not provided. Allele origin: germline. Inheritance: Autosomal dominant inheritance. Affected: yes.